The following is an entry in ClinVar:

ClinVar aggregate classification (germline): Uncertain significance. Review status: criteria provided, multiple submitters, no conflicts (2 of 4 stars). 2 submissions from 2 submitters: Uncertain significance (2). Last evaluated 2025-09-09.

Conditions:
Neonatal-onset encephalopathy with rigidity and seizures. Also called: Lethal neonatal spasticity-epileptic encephalopathy syndrome. Identifiers: Orphanet 435845, MedGen C3281029, MONDO:0013784, OMIM 614498.
Inborn genetic diseases. Identifiers: MedGen C0950123, MeSH D030342.

Allele frequency attached by ClinVar (database versions not stated): gnomAD exomes below 0.00001; gnomAD 0.00001; TOPMed 0.00003; ExAC 0.00005.
gnomAD v4.1: 8 of 1,569,736 alleles (0.00051%); highest among the groups gnomAD compares: African/African-American, 0.011%; no homozygotes.

Submissions (2):

Ambry Genetics
Classification: Uncertain significance for Inborn genetic diseases. Last evaluated: 2025-09-09. Review status: criteria provided, single submitter. Criteria: Ambry Variant Classification Scheme 2023. Collection method: clinical testing. Allele origin: germline.

Labcorp Genetics (formerly Invitae), Labcorp
Classification: Uncertain significance for Neonatal-onset encephalopathy with rigidity and seizures. Last evaluated: 2022-07-13. Review status: criteria provided, single submitter. Criteria: Invitae Variant Classification Sherloc (09022015). Collection method: clinical testing. Allele origin: germline.
Comment: This sequence change replaces lysine, which is basic and polar, with asparagine, which is neutral and polar, at codon 329 of the BRAT1 protein (p.Lys329Asn). This variant is not present in population databases (gnomAD no frequency). This variant has not been reported in the literature in individuals affected with BRAT1-related conditions. Algorithms developed to predict the effect of missense changes on protein structure and function output the following: SIFT: "Deleterious"; PolyPhen-2: "Benign"; Align-GVGD: "Class C0". The asparagine amino acid residue is found in multiple mammalian species, which suggests that this missense change does not adversely affect protein function. In summary, the available evidence is currently insufficient to determine the role of this variant in disease. Therefore, it has been classified as a Variant of Uncertain Significance.

NM_152743.4(BRAT1):c.987G>C (p.Lys329Asn)

Gene: BRAT1 (BRCA1 associated ATM activator 1; minus strand). Cytogenetic location: 7p22.3.
Variant type: single nucleotide variant.
Coding change: c.987G>C on transcript NM_152743.4 (MANE Select); coding-DNA position 987, G replaced by C.
Protein change: p.Lys329Asn; replaces lysine 329 with asparagine.
Molecular consequence: missense variant. On other transcripts: non-coding transcript variant (1).
Genome position (GRCh38, 1-based): chr7:2,542,148, C>G on the plus strand (G>C on the coding strand, the complement: BRAT1 is on the minus strand). VCF-style: chr7-2542148-C-G. GRCh37 (hg19) VCF-style: chr7-2581782-C-G.
Other names: c.987G>C (NM_152743.3); c.987G>C, p.Lys329Asn (NM_001350626.2); c.462G>C, p.Lys154Asn (NM_001350627.2); short protein forms K329N, K154N.
Identifiers: ClinVar variation 2055388 (VCV002055388.2), dbSNP rs761475079, ClinGen allele CA4127982.